The following is an entry in ClinVar:

ClinVar aggregate classification (germline): Uncertain significance (1 of 4 stars; one submission).

Conditions:
Combined immunodeficiency due to CTPS1 deficiency. Also called: Immunodeficiency 24; Severe combined immunodeficiency due to CTPS1 deficiency. Identifiers: Orphanet 420573, MedGen C4014617, MONDO:0014391, OMIM 615897.

Allele frequency attached by ClinVar (database versions not stated): TOPMed below 0.00001.

Submission:

Labcorp Genetics (formerly Invitae), Labcorp
Classification: Uncertain significance for Combined immunodeficiency due to CTPS1 deficiency. Last evaluated: 2024-10-15. Review status: criteria provided, single submitter. Criteria: Invitae Variant Classification Sherloc (09022015). Collection method: clinical testing. Allele origin: germline.
Comment: This sequence change replaces alanine, which is neutral and non-polar, with valine, which is neutral and non-polar, at codon 340 of the CTPS1 protein (p.Ala340Val). The frequency data for this variant in the population databases is considered unreliable, as metrics indicate poor data quality at this position in the gnomAD database. This variant has not been reported in the literature in individuals affected with CTPS1-related conditions. ClinVar contains an entry for this variant (Variation ID: 1920633). An algorithm developed to predict the effect of missense changes on protein structure and function (PolyPhen-2) suggests that this variant is likely to be tolerated. In summary, the available evidence is currently insufficient to determine the role of this variant in disease. Therefore, it has been classified as a Variant of Uncertain Significance.

NM_001905.4(CTPS1):c.1019C>T (p.Ala340Val)

Gene: CTPS1 (CTP synthase 1; plus strand). Cytogenetic location: 1p34.2.
Variant type: single nucleotide variant.
Coding change: c.1019C>T on transcript NM_001905.4 (MANE Select); coding-DNA position 1019, C replaced by T.
Protein change: p.Ala340Val; replaces alanine 340 with valine.
Molecular consequence: missense variant. On other transcripts: non-coding transcript variant (1).
Genome position (GRCh38, 1-based): chr1:41,001,042, C>T. VCF-style: chr1-41001042-C-T. GRCh37 (hg19) VCF-style: chr1-41466714-C-T.
Other names: c.551C>T, p.Ala184Val (NM_001301237.2); short protein forms A184V, A340V.
Identifiers: ClinVar variation 1920633 (VCV001920633.5), dbSNP rs955932050, ClinGen allele CA21144659.
Genomic context (GRCh38, chr1:41,001,042, plus strand): 5'-CCTGGGGTCACGAGCCTGCTTTTCTCCCCTGTCTGAATAACATCCAGTACATAGATTCTG[C>T]GGACTTGGAGCCCATCACCTCGCAAGAAGAGCCCGTGCGCTACCACGAAGCTTGGCAGAA-3'
Protein context (NP_001896.2, residues 330-350): HKLEIKYIDS[Ala340Val]DLEPITSQEE